The following is an entry in ClinVar:

ClinVar aggregate classification (germline): Likely benign (0 of 4 stars; one submission).

Conditions:
KLK3-related disorder. Also called: KLK3-related condition.

Allele frequency attached by ClinVar (database versions not stated): 1000 Genomes Project 0.00040; 1000 Genomes Project 30x 0.00047; gnomAD 0.00124; TOPMed 0.00139; ESP Exome Variant Server 0.00231.
gnomAD v4.1: 3,029 of 1,614,142 alleles (0.19%); highest among the groups gnomAD compares: Non-Finnish European, 0.24%; 7 homozygotes.

Submission:

PreventionGenetics, part of Exact Sciences
Classification: Likely benign for KLK3-related condition. Last evaluated: 2019-12-18. Review status: no assertion criteria provided. Collection method: clinical testing. Allele origin: germline.
Comment: This variant is classified as likely benign based on ACMG/AMP sequence variant interpretation guidelines (Richards et al. 2015 PMID: 25741868, with internal and published modifications).

NM_001648.2(KLK3):c.447G>A (p.Gly149=)

Gene: KLK3 (kallikrein related peptidase 3; plus strand). Cytogenetic location: 19q13.33.
Variant type: single nucleotide variant.
Coding change: c.447G>A on transcript NM_001648.2 (MANE Select); coding-DNA position 447, G replaced by A.
Protein change: p.Gly149=; no amino-acid change (glycine 149 retained).
Molecular consequence: synonymous variant.
Genome position (GRCh38, 1-based): chr19:50,858,269, G>A. VCF-style: chr19-50858269-G-A. GRCh37 (hg19) VCF-style: chr19-51361525-G-A.
Other names: c.447G>A, p.Gly149= (NM_001030047.1); c.318G>A, p.Gly106= (NM_001030048.1).
Identifiers: ClinVar variation 3041951 (VCV003041951.2), dbSNP rs147547638, ClinGen allele CA9604431.